The following is an entry in ClinVar:

ClinVar aggregate classification (germline): Uncertain significance (1 of 4 stars; one submission).

Conditions:
Hereditary spastic paraplegia 2 (SPG2). Also called: Spastic Paraplegia 2 (SPG2); SPASTIC PARAPLEGIA 2, X-LINKED. Identifiers: Orphanet 99015, MedGen C0751604, MONDO:0010733, OMIM 312920.

Allele frequency attached by ClinVar (database versions not stated): gnomAD exomes below 0.00001.
gnomAD v4.1: 4 of 1,207,933 alleles (0.00033%); highest among the groups gnomAD compares: Non-Finnish European, 0.00045%; no homozygotes.

Submission:

Labcorp Genetics (formerly Invitae), Labcorp
Classification: Uncertain significance for Hereditary spastic paraplegia 2. Last evaluated: 2023-08-11. Review status: criteria provided, single submitter. Criteria: Invitae Variant Classification Sherloc (09022015). Collection method: clinical testing. Allele origin: germline.
Comment: Advanced modeling of protein sequence and biophysical properties (such as structural, functional, and spatial information, amino acid conservation, physicochemical variation, residue mobility, and thermodynamic stability) performed at Invitae indicates that this missense variant is not expected to disrupt PLP1 protein function. This sequence change replaces phenylalanine, which is neutral and non-polar, with cysteine, which is neutral and slightly polar, at codon 178 of the PLP1 protein (p.Phe178Cys). This variant is present in population databases (no rsID available, gnomAD 0.001%). This variant has not been reported in the literature in individuals affected with PLP1-related conditions. In summary, the available evidence is currently insufficient to determine the role of this variant in disease. Therefore, it has been classified as a Variant of Uncertain Significance.

NM_000533.5(PLP1):c.533T>G (p.Phe178Cys)

Genes: PLP1 (proteolipid protein 1; plus strand), RAB9B (RAB9B, member RAS oncogene family; minus strand). Cytogenetic location: Xq22.2.
Variant type: single nucleotide variant.
Coding change: c.533T>G on transcript NM_000533.5 (MANE Select); coding-DNA position 533, T replaced by G.
Protein change: p.Phe178Cys; replaces phenylalanine 178 with cysteine.
Molecular consequence: missense variant.
Genome position (GRCh38, 1-based): chrX:103,787,877, T>G. VCF-style: chrX-103787877-T-G. GRCh37 (hg19) VCF-style: chrX-103042806-T-G.
Other names: c.533T>G, p.Phe178Cys (NM_001128834.3); c.368T>G, p.Phe123Cys (NM_001305004.1); c.428T>G, p.Phe143Cys (NM_199478.3); short protein forms F178C, F123C, F143C.
Identifiers: ClinVar variation 3010283 (VCV003010283.3), dbSNP rs1268376977, ClinGen allele CA414103824.